The following is an entry in ClinVar:

NM_015072.5(TTLL5):c.2365C>T (p.Gln789Ter)

Gene: TTLL5 (tubulin tyrosine ligase like 5; plus strand). Cytogenetic location: 14q24.3.
Variant type: single nucleotide variant.
Coding change: c.2365C>T on transcript NM_015072.5 (MANE Select); coding-DNA position 2365, C replaced by T.
Protein change: p.Gln789Ter; replaces glutamine 789 with a stop codon.
Molecular consequence: nonsense.
Genome position (GRCh38, 1-based): chr14:75,776,828, C>T. VCF-style: chr14-75776828-C-T. GRCh37 (hg19) VCF-style: chr14-76243171-C-T.
Other names: short protein forms Q789*.
Identifiers: ClinVar variation 2770378 (VCV002770378.3), dbSNP rs778784486, ClinGen allele CA7279680.

ClinVar aggregate classification (germline): Pathogenic (1 of 4 stars; one submission).

Allele frequency attached by ClinVar (database versions not stated): gnomAD exomes below 0.00001; ExAC 0.00001.
gnomAD v4.1: 6 of 1,613,746 alleles (0.00037%); highest among the groups gnomAD compares: Non-Finnish European, 0.00051%; no homozygotes.

Submission:

Labcorp Genetics (formerly Invitae), Labcorp
Classification: Pathogenic. Last evaluated: 2025-10-03. Review status: criteria provided, single submitter. Criteria: Invitae Variant Classification Sherloc (09022015). Collection method: clinical testing. Allele origin: germline.
Comment: This sequence change creates a premature translational stop signal (p.Gln789*) in the TTLL5 gene. It is expected to result in an absent or disrupted protein product. Loss-of-function variants in TTLL5 are known to be pathogenic (PMID: 24791901, 27162334). This variant is present in population databases (rs778784486, gnomAD 0.0009%). This variant has not been reported in the literature in individuals affected with TTLL5-related conditions. ClinVar contains an entry for this variant (Variation ID: 2770378). Algorithms developed to predict the effect of sequence changes on RNA splicing suggest that this variant may disrupt the consensus splice site. For these reasons, this variant has been classified as Pathogenic.

Literature cited by the submitters: PubMed 24791901; PubMed 27162334.